The following is an entry in ClinVar:

NM_020919.4(ALS2):c.1265T>C (p.Met422Thr)

Gene: ALS2 (alsin Rho guanine nucleotide exchange factor ALS2; minus strand). Cytogenetic location: 2q33.1.
Variant type: single nucleotide variant.
Coding change: c.1265T>C on transcript NM_020919.4 (MANE Select); coding-DNA position 1265, T replaced by C.
Protein change: p.Met422Thr; replaces methionine 422 with threonine.
Molecular consequence: missense variant.
Genome position (GRCh38, 1-based): chr2:201,757,608, A>G on the plus strand (T>C on the coding strand, the complement: ALS2 is on the minus strand). VCF-style: chr2-201757608-A-G. GRCh37 (hg19) VCF-style: chr2-202622331-A-G.
Other names: short protein forms M422T.
Identifiers: ClinVar variation 1435650 (VCV001435650.4), dbSNP rs372175711, ClinGen allele CA2058487.

ClinVar aggregate classification (germline): Uncertain significance (1 of 4 stars; one submission).

Conditions:
Infantile-onset ascending hereditary spastic paralysis (IAHSP). Also called: Infantile-Onset Ascending Hereditary Spastic Paralysis (IAHSP); Autosomal Recessive Juvenile Amyotrophic Lateral Sclerosis. Identifiers: Orphanet 293168, MedGen C2931441, MONDO:0011797, OMIM 607225. Disease mechanism: loss of function.

Allele frequency attached by ClinVar (database versions not stated): TOPMed 0.00002; gnomAD 0.00004; ESP Exome Variant Server 0.00008.

Submission:

Labcorp Genetics (formerly Invitae), Labcorp
Classification: Uncertain significance for Infantile-onset ascending hereditary spastic paralysis. Last evaluated: 2022-12-06. Review status: criteria provided, single submitter. Criteria: Invitae Variant Classification Sherloc (09022015). Collection method: clinical testing. Allele origin: germline.
Comment: In summary, the available evidence is currently insufficient to determine the role of this variant in disease. Therefore, it has been classified as a Variant of Uncertain Significance. Advanced modeling of protein sequence and biophysical properties (such as structural, functional, and spatial information, amino acid conservation, physicochemical variation, residue mobility, and thermodynamic stability) performed at Invitae indicates that this missense variant is not expected to disrupt ALS2 protein function. ClinVar contains an entry for this variant (Variation ID: 1435650). This variant has not been reported in the literature in individuals affected with ALS2-related conditions. This variant is present in population databases (rs372175711, gnomAD 0.01%). This sequence change replaces methionine, which is neutral and non-polar, with threonine, which is neutral and polar, at codon 422 of the ALS2 protein (p.Met422Thr).